The following is an entry in ClinVar:

ClinVar aggregate classification (germline): Pathogenic (1 of 4 stars; one submission).

Conditions:
Leukodystrophy, hypomyelinating, 3. Identifiers: Orphanet 280270, Orphanet 280293, MedGen C1850053, MONDO:0009843, OMIM 260600.

Submission:

Gansu Provincial Maternity and Child Care Hospital
Classification: Pathogenic for Leukodystrophy, hypomyelinating, 3. Last evaluated: 2026-06-02. Review status: criteria provided, single submitter. Criteria: ACMG Guidelines, 2015. Collection method: clinical testing. Allele origin: paternal. Inheritance: Autosomal recessive inheritance. Affected: yes.
Comment: The c.250_252delACTinsGG variant is a frameshift variant that leads to premature termination of translation (PVS1). This site is not recorded in the gnomAD database (PM2_supporting).For recessive disorders, detected in trans with a pathogenic variant(PM3_Surporting).This variant is classified as pathogenic.

NM_001142416.2(AIMP1):c.250_252delinsGG (p.Thr84fs)

Gene: AIMP1 (aminoacyl tRNA synthetase complex interacting multifunctional protein 1; plus strand). Cytogenetic location: 4q24.
Variant type: Indel.
Coding change: c.250_252delinsGG on transcript NM_001142416.2 (MANE Select); coding-DNA positions 250 to 252, ACT replaced by GG.
Protein change: p.Thr84fs; shifts the reading frame from threonine 84.
Molecular consequence: frameshift variant.
Genome position (GRCh38, 1-based): chr4:106,328,102-106,328,104, ACT replaced by GG. VCF-style: chr4-106328102-ACT-GG. GRCh37 (hg19) VCF-style: chr4-107249259-ACT-GG.
Other names: c.250_252delinsGG, p.Thr84fs (NM_001142415.2, NM_004757.4); c.250_252delACTinsGG (NM_004757.4); short protein forms T84fs.
Identifiers: ClinVar variation 4856393 (VCV004856393.1).